The following is an entry in ClinVar:

ClinVar aggregate classification (germline): Likely benign. Review status: criteria provided, single submitter (1 of 4 stars). 2 submissions from 2 submitters: Likely benign (1). 1 of the submissions does not count toward it. Last evaluated 2026-01-14.

Conditions:
FMN1-related disorder. Also called: FMN1-related condition.

Allele frequency attached by ClinVar (database versions not stated): ExAC 0.00056; 1000 Genomes Project 0.00120; 1000 Genomes Project 30x 0.00125; gnomAD 0.00171; TOPMed 0.00207.
gnomAD v4.1: 4,359 of 1,536,194 alleles (0.28%); highest among the groups gnomAD compares: Non-Finnish European, 0.35%; 3 homozygotes.

Submissions (4):

Labcorp Genetics (formerly Invitae), Labcorp
Classification: Likely benign. Last evaluated: 2026-01-14. Review status: criteria provided, single submitter. Criteria: Invitae Variant Classification Sherloc (09022015). Collection method: clinical testing. Allele origin: germline.

PreventionGenetics, part of Exact Sciences
Classification: Likely benign for FMN1-related condition. Last evaluated: 2023-02-28. Review status: no assertion criteria provided. Collection method: clinical testing. Allele origin: germline. Not counted in ClinVar's aggregate classification.
Comment: This variant is classified as likely benign based on ACMG/AMP sequence variant interpretation guidelines (Richards et al. 2015 PMID: 25741868, with internal and published modifications).

Dr. Peter K. Rogan Lab, Western University
No classification provided (evidence only). Condition: Cervical cancer. Review status: no classification provided. Collection method: in vitro. Allele origin: not applicable. Functional consequence: retained intron. Not counted in ClinVar's aggregate classification.

Dr. Peter K. Rogan Lab, Western University
No classification provided (evidence only). Condition: Sarcoma. Review status: no classification provided. Collection method: in vitro. Allele origin: not applicable. Functional consequence: retained intron. Not counted in ClinVar's aggregate classification.

NM_001277313.2(FMN1):c.1307G>T (p.Gly436Val)

Gene: FMN1 (formin 1; minus strand). Cytogenetic location: 15q13.3.
Variant type: single nucleotide variant.
Coding change: c.1307G>T on transcript NM_001277313.2 (MANE Select); coding-DNA position 1307, G replaced by T.
Protein change: p.Gly436Val; replaces glycine 436 with valine.
Molecular consequence: missense variant.
Genome position (GRCh38, 1-based): chr15:33,153,608, C>A on the plus strand (G>T on the coding strand, the complement: FMN1 is on the minus strand). VCF-style: chr15-33153608-C-A. GRCh37 (hg19) VCF-style: chr15-33445809-C-A.
Other names: c.1307G>T (NM_001277313.1); c.1307G>T, p.Gly436Val (NM_001277314.2); short protein forms G436V.
Identifiers: ClinVar variation 2048887 (VCV002048887.7), dbSNP rs537060596, ClinGen allele CA7457531.